The following is an entry in ClinVar:

ClinVar aggregate classification (germline): Uncertain significance (1 of 4 stars; one submission).

Conditions:
WDPCP-related disorder. Also called: WDPCP-related condition.

Submission:

PreventionGenetics, part of Exact Sciences
Classification: Uncertain significance for WDPCP-related condition. Last evaluated: 2025-04-25. Review status: criteria provided, single submitter. Criteria: ACMG Guidelines, 2015. Collection method: clinical testing. Allele origin: germline.
Comment: The WDPCP c.1135T>G variant is predicted to result in the amino acid substitution p.Leu379Val. To our knowledge, this variant has not been reported in the literature or in a large population database (gnomAD), indicating this variant is rare. At this time, the clinical significance of this variant is uncertain due to the absence of conclusive functional and genetic evidence.

NM_015910.7(WDPCP):c.1135T>G (p.Leu379Val)

Gene: WDPCP (WD repeat containing planar cell polarity effector; minus strand). Cytogenetic location: 2p15.
Variant type: single nucleotide variant.
Coding change: c.1135T>G on transcript NM_015910.7 (MANE Select); coding-DNA position 1135, T replaced by G.
Protein change: p.Leu379Val; replaces leucine 379 with valine.
Molecular consequence: missense variant. On other transcripts: non-coding transcript variant (3).
Genome position (GRCh38, 1-based): chr2:63,404,348, A>C on the plus strand (T>G on the coding strand, the complement: WDPCP is on the minus strand). VCF-style: chr2-63404348-A-C. GRCh37 (hg19) VCF-style: chr2-63631483-A-C.
Other names: c.658T>G, p.Leu220Val (NM_001042692.3); c.1063T>G, p.Leu355Val (NM_001354044.2); c.1135T>G, p.Leu379Val (NM_001354045.2); short protein forms L355V, L220V, L379V.
Identifiers: ClinVar variation 4999902 (VCV004999902.1).